The following is an entry in ClinVar:

NM_003072.5(SMARCA4):c.65C>G (p.Pro22Arg)

Gene: SMARCA4 (SWI/SNF related BAF chromatin remodeling complex subunit ATPase 4; plus strand). Cytogenetic location: 19p13.2.
Variant type: single nucleotide variant.
Coding change: c.65C>G on transcript NM_003072.5 (MANE Select); coding-DNA position 65, C replaced by G.
Protein change: p.Pro22Arg; replaces proline 22 with arginine.
Molecular consequence: missense variant. On other transcripts: non-coding transcript variant (1).
Genome position (GRCh38, 1-based): chr19:10,984,216, C>G. VCF-style: chr19-10984216-C-G. GRCh37 (hg19) VCF-style: chr19-11094892-C-G.
Other names: c.65C>G, p.Pro22Arg (NM_001128844.3, NM_001128845.2, NM_001128846.2 and 5 more transcripts); short protein forms P22R.
Identifiers: ClinVar variation 470444 (VCV000470444.12), dbSNP rs1227659334, ClinGen allele CA404054049.

ClinVar aggregate classification (germline): Uncertain significance. Review status: criteria provided, multiple submitters, no conflicts (2 of 4 stars). 3 submissions from 3 submitters: Uncertain significance (3). Last evaluated 2025-05-27.

Conditions:
Hereditary cancer-predisposing syndrome. Also called: Hereditary neoplastic syndrome; Neoplastic Syndromes, Hereditary; Tumor predisposition; Hereditary Cancer Syndrome. Identifiers: Orphanet 140162, MedGen C0027672, MeSH D009386, MONDO:0015356.
Rhabdoid tumor predisposition syndrome 2 (RTPS2). Identifiers: Orphanet 231108, Orphanet 69077, MedGen C2750074, MONDO:0013224, OMIM 613325.

Submissions (3):

Labcorp Genetics (formerly Invitae), Labcorp
Classification: Uncertain significance for Rhabdoid tumor predisposition syndrome 2. Last evaluated: 2025-05-27. Review status: criteria provided, single submitter. Criteria: Invitae Variant Classification Sherloc (09022015). Collection method: clinical testing. Allele origin: germline.
Comment: This sequence change replaces proline, which is neutral and non-polar, with arginine, which is basic and polar, at codon 22 of the SMARCA4 protein (p.Pro22Arg). This variant is not present in population databases (gnomAD no frequency). This variant has not been reported in the literature in individuals affected with SMARCA4-related conditions. ClinVar contains an entry for this variant (Variation ID: 470444). Invitae Evidence Modeling of protein sequence and biophysical properties (such as structural, functional, and spatial information, amino acid conservation, physicochemical variation, residue mobility, and thermodynamic stability) has been performed for this missense variant. However, the output from this modeling did not meet the statistical confidence thresholds required to predict the impact of this variant on SMARCA4 protein function. In summary, the available evidence is currently insufficient to determine the role of this variant in disease. Therefore, it has been classified as a Variant of Uncertain Significance.

Ambry Genetics
Classification: Uncertain significance for Hereditary cancer-predisposing syndrome. Last evaluated: 2025-04-06. Review status: criteria provided, single submitter. Criteria: Ambry Variant Classification Scheme 2023. Collection method: clinical testing. Allele origin: germline.
Comment: The p.P22R variant (also known as c.65C>G), located in coding exon 1 of the SMARCA4 gene, results from a C to G substitution at nucleotide position 65. The proline at codon 22 is replaced by arginine, an amino acid with dissimilar properties. Missense and in-frame variants in SMARCA4 are known to cause neurodevelopmental disorders; however, such associations with rhabdoid tumor predisposition syndrome including small cell carcinoma of the ovary-hypercalcemic type (SCCOHT) are exceedingly rare (Kosho T et al. Am J Med Genet C Semin Med Genet. 2014 Sep;166C(3):262-75; Jelinic P et al. Nat Genet. 2014 May;46(5):424-6). This amino acid position is highly conserved in available vertebrate species. In addition, this alteration is predicted to be deleterious by in silico analysis. Since supporting evidence is limited at this time, the clinical significance of this alteration remains unclear.

GeneDx
Classification: Uncertain significance. Last evaluated: 2023-03-21. Review status: criteria provided, single submitter. Criteria: GeneDx Variant Classification Process June 2021. Collection method: clinical testing. Allele origin: germline. Affected: yes.
Comment: Not observed at significant frequency in large population cohorts (gnomAD); In silico analysis supports that this missense variant has a deleterious effect on protein structure/function; Has not been previously published as pathogenic or benign to our knowledge